The following is an entry in ClinVar:

ClinVar aggregate classification (germline): Likely benign (1 of 4 stars; one submission).

Conditions:
DYNC2H1-related disorder. Also called: DYNC2H1-related condition; DYNC2H1-related disorders. Identifiers: MedGen CN378770.

gnomAD v4.1: 1 of 1,612,906 alleles (0.000062%); highest among the groups gnomAD compares: African/African-American, 0.0013%; no homozygotes.

Submission:

PreventionGenetics, part of Exact Sciences
Classification: Likely benign for DYNC2H1-related condition. Last evaluated: 2024-10-19. Review status: criteria provided, single submitter. Criteria: ACMG Guidelines, 2015. Collection method: clinical testing. Allele origin: germline.
Comment: This variant is classified as likely benign based on ACMG/AMP sequence variant interpretation guidelines (Richards et al. 2015 PMID: 25741868, with internal and published modifications).

NM_001377.3(DYNC2H1):c.7128A>C (p.Ala2376=)

Gene: DYNC2H1 (dynein cytoplasmic 2 heavy chain 1; plus strand). Cytogenetic location: 11q22.3.
Variant type: single nucleotide variant.
Coding change: c.7128A>C on transcript NM_001377.3 (MANE Select); coding-DNA position 7128, A replaced by C.
Protein change: p.Ala2376=; no amino-acid change (alanine 2376 retained).
Molecular consequence: synonymous variant.
Genome position (GRCh38, 1-based): chr11:103,187,574, A>C. VCF-style: chr11-103187574-A-C. GRCh37 (hg19) VCF-style: chr11-103058303-A-C.
Other names: c.7128A>C, p.Ala2376= (NM_001080463.2).
Identifiers: ClinVar variation 4999743 (VCV004999743.1).
Genomic context (GRCh38, chr11:103,187,574, plus strand): 5'-GTACTTAAAAGATATCAACCTACCTAAACTTGATAAATGGGGGACCAGTACTTTGGTAGC[A>C]TTCCTACAACAGGTAAGTCATATTGCTTGAAGTGTTTTAATCTAATTGGAAACAATTTAA-3'
Protein context (NP_001368.2, residues 2366-2386): LDKWGTSTLV[Ala2376=]FLQQVLTYQG